The following is an entry in ClinVar:

ClinVar aggregate classification (germline): Uncertain significance (1 of 4 stars; one submission).

Conditions:
Severe combined immunodeficiency due to IKK2 deficiency. Also called: Immunodeficiency 15; IMMUNODEFICIENCY 15B. Identifiers: Orphanet 397787, MedGen C4747743, MONDO:0014267, OMIM 615592.

gnomAD v4.1: 2 of 1,603,306 alleles (0.00012%); highest among the groups gnomAD compares: Non-Finnish European, 0.00017%; no homozygotes.

Submission:

Labcorp Genetics (formerly Invitae), Labcorp
Classification: Uncertain significance for Severe combined immunodeficiency due to IKK2 deficiency. Last evaluated: 2025-12-15. Review status: criteria provided, single submitter. Criteria: Invitae Variant Classification Sherloc (09022015). Collection method: clinical testing. Allele origin: germline.
Comment: This sequence change replaces lysine, which is basic and polar, with glutamic acid, which is acidic and polar, at codon 555 of the IKBKB protein (p.Lys555Glu). This variant is not present in population databases (gnomAD no frequency). This variant has not been reported in the literature in individuals affected with IKBKB-related conditions. Invitae Evidence Modeling of protein sequence and biophysical properties (such as structural, functional, and spatial information, amino acid conservation, physicochemical variation, residue mobility, and thermodynamic stability) indicates that this missense variant is not expected to disrupt IKBKB protein function with a negative predictive value of 95%. In summary, the available evidence is currently insufficient to determine the role of this variant in disease. Therefore, it has been classified as a Variant of Uncertain Significance.

NM_001556.3(IKBKB):c.1663A>G (p.Lys555Glu)

Gene: IKBKB (inhibitor of nuclear factor kappa B kinase subunit beta; plus strand). Cytogenetic location: 8p11.21.
Variant type: single nucleotide variant.
Coding change: c.1663A>G on transcript NM_001556.3 (MANE Select); coding-DNA position 1663, A replaced by G.
Protein change: p.Lys555Glu; replaces lysine 555 with glutamic acid.
Molecular consequence: missense variant. On other transcripts: non-coding transcript variant (3).
Genome position (GRCh38, 1-based): chr8:42,320,819, A>G. VCF-style: chr8-42320819-A-G. GRCh37 (hg19) VCF-style: chr8-42178337-A-G.
Other names: c.1471A>G, p.Lys491Glu (NM_001190720.3); c.1486A>G, p.Lys496Glu (NM_001242778.2); short protein forms K555E, K491E, K496E.
Identifiers: ClinVar variation 4708251 (VCV004708251.1).